The following is an entry in ClinVar:

NM_004385.5(VCAN):c.7435G>T (p.Ala2479Ser)

Genes: VCAN (versican; plus strand), VCAN-AS1 (VCAN antisense RNA 1; minus strand). Cytogenetic location: 5q14.3.
Variant type: single nucleotide variant.
Coding change: c.7435G>T on transcript NM_004385.5 (MANE Select); coding-DNA position 7435, G replaced by T.
Protein change: p.Ala2479Ser; replaces alanine 2479 with serine.
Molecular consequence: missense variant. On other transcripts: intron variant (2).
Genome position (GRCh38, 1-based): chr5:83,540,438, G>T. VCF-style: chr5-83540438-G-T. GRCh37 (hg19) VCF-style: chr5-82836257-G-T.
Other names: c.4474G>T, p.Ala1492Ser (NM_001164097.2); c.4004-5099G>T (NM_001164098.2); c.1043-5099G>T (NM_001126336.3); short protein forms A2479S, A1492S.
Identifiers: ClinVar variation 2806764 (VCV002806764.3), dbSNP rs748231705, ClinGen allele CA3333635.

ClinVar aggregate classification (germline): Uncertain significance (1 of 4 stars; one submission).

Allele frequency attached by ClinVar (database versions not stated): gnomAD exomes below 0.00001; TOPMed below 0.00001; ExAC 0.00001.
gnomAD v4.1: 2 of 1,614,034 alleles (0.00012%); highest among the groups gnomAD compares: East Asian, 0.0045%; no homozygotes.

Submission:

Labcorp Genetics (formerly Invitae), Labcorp
Classification: Uncertain significance. Last evaluated: 2023-05-20. Review status: criteria provided, single submitter. Criteria: Invitae Variant Classification Sherloc (09022015). Collection method: clinical testing. Allele origin: germline.
Comment: In summary, the available evidence is currently insufficient to determine the role of this variant in disease. Therefore, it has been classified as a Variant of Uncertain Significance. An algorithm developed to predict the effect of missense changes on protein structure and function (PolyPhen-2) suggests that this variant is likely to be tolerated. This variant has not been reported in the literature in individuals affected with VCAN-related conditions. This variant is present in population databases (rs748231705, gnomAD 0.01%). This sequence change replaces alanine, which is neutral and non-polar, with serine, which is neutral and polar, at codon 2479 of the VCAN protein (p.Ala2479Ser).